The following is an entry in ClinVar:

NM_001005273.3(CHD3):c.1055C>T (p.Pro352Leu)

Genes: CHD3 (chromodomain helicase DNA binding protein 3; plus strand), LOC126862484 (CDK7 strongly-dependent group 2 enhancer GRCh37_chr17:7797066-7798265; plus strand). Cytogenetic location: 17p13.1.
Variant type: single nucleotide variant.
Coding change: c.1055C>T on transcript NM_001005273.3 (MANE Select); coding-DNA position 1055, C replaced by T.
Protein change: p.Pro352Leu; replaces proline 352 with leucine.
Molecular consequence: missense variant.
Genome position (GRCh38, 1-based): chr17:7,894,245, C>T. VCF-style: chr17-7894245-C-T. GRCh37 (hg19) VCF-style: chr17-7797563-C-T.
Other names: c.1232C>T, p.Pro411Leu (NM_001005271.3, NM_001437504.1); c.1220C>T, p.Pro407Leu (NM_001437507.1, NM_001437508.1, NM_001437509.1); c.1055C>T, p.Pro352Leu (NM_005852.4); short protein forms P352L, P407L, P411L.
Identifiers: ClinVar variation 4976568 (VCV004976568.1).

ClinVar aggregate classification (germline): Uncertain significance (1 of 4 stars; one submission).

Submission:

GeneDx
Classification: Uncertain significance. Last evaluated: 2026-02-18. Review status: criteria provided, single submitter. Criteria: GeneDx Variant Classification Process June 2021. Collection method: clinical testing. Allele origin: germline.
Comment: Not observed at significant frequency in large population cohorts (gnomAD); In silico analysis supports that this missense variant has a deleterious effect on protein structure/function; Has not been previously published as pathogenic or benign to our knowledge